The following is an entry in ClinVar:

NM_182931.3(KMT2E):c.5170T>C (p.Ser1724Pro)

Gene: KMT2E (lysine methyltransferase 2E (inactive); plus strand). Cytogenetic location: 7q22.3.
Variant type: single nucleotide variant.
Coding change: c.5170T>C on transcript NM_182931.3 (MANE Select); coding-DNA position 5170, T replaced by C.
Protein change: p.Ser1724Pro; replaces serine 1724 with proline.
Molecular consequence: missense variant.
Genome position (GRCh38, 1-based): chr7:105,112,926, T>C. VCF-style: chr7-105112926-T-C. GRCh37 (hg19) VCF-style: chr7-104753373-T-C.
Other names: c.5044T>C, p.Ser1682Pro (NM_001410908.1); c.5170T>C, p.Ser1724Pro (NM_018682.4); short protein forms S1682P, S1724P.
Identifiers: ClinVar variation 3676781 (VCV003676781.2).

ClinVar aggregate classification (germline): Uncertain significance (1 of 4 stars; one submission).

gnomAD v4.1: 1 of 1,613,458 alleles (0.000062%); highest among the groups gnomAD compares: African/African-American, 0.0013%; no homozygotes.

Submission:

Labcorp Genetics (formerly Invitae), Labcorp
Classification: Uncertain significance. Last evaluated: 2024-03-26. Review status: criteria provided, single submitter. Criteria: Invitae Variant Classification Sherloc (09022015). Collection method: clinical testing. Allele origin: germline.
Comment: This sequence change replaces serine, which is neutral and polar, with proline, which is neutral and non-polar, at codon 1724 of the KMT2E protein (p.Ser1724Pro). This variant is not present in population databases (gnomAD no frequency). This variant has not been reported in the literature in individuals affected with KMT2E-related conditions. An algorithm developed to predict the effect of missense changes on protein structure and function (PolyPhen-2) suggests that this variant is likely to be tolerated. In summary, the available evidence is currently insufficient to determine the role of this variant in disease. Therefore, it has been classified as a Variant of Uncertain Significance.